The following is an entry in ClinVar:

ClinVar aggregate classification (germline): Likely benign (0 of 4 stars; one submission).

Conditions:
MUC16-related disorder. Also called: MUC16-related condition.

Allele frequency attached by ClinVar (database versions not stated): ExAC 0.00009; gnomAD 0.00013; gnomAD exomes 0.00013; 1000 Genomes Project 30x 0.00016; TOPMed 0.00019; 1000 Genomes Project 0.00020; ESP Exome Variant Server 0.00025.

Submission:

PreventionGenetics, part of Exact Sciences
Classification: Likely benign for MUC16-related condition. Last evaluated: 2019-03-04. Review status: no assertion criteria provided. Collection method: clinical testing. Allele origin: germline.
Comment: This variant is classified as likely benign based on ACMG/AMP sequence variant interpretation guidelines (Richards et al. 2015 PMID: 25741868, with internal and published modifications).

NM_001401501.2(MUC16):c.45426G>A (p.Val15142=)

Gene: MUC16 (mucin 16, cell surface associated; minus strand). Cytogenetic location: 19p13.2.
Variant type: single nucleotide variant.
Coding change: c.45426G>A on transcript NM_001401501.2 (MANE Select); coding-DNA position 45426, G replaced by A.
Protein change: p.Val15142=; no amino-acid change (valine 15142 retained).
Molecular consequence: synonymous variant.
Genome position (GRCh38, 1-based): chr19:8,861,016, C>T on the plus strand (G>A on the coding strand, the complement: MUC16 is on the minus strand). VCF-style: chr19-8861016-C-T. GRCh37 (hg19) VCF-style: chr19-8971692-C-T.
Other names: c.45852G>A, p.Val15284= (NM_001414686.1); c.45306G>A, p.Val15102= (NM_001414687.1); c.42900G>A, p.Val14300= (NM_024690.2).
Identifiers: ClinVar variation 3045941 (VCV003045941.2), dbSNP rs145933765, ClinGen allele CA9162239.